The following is an entry in ClinVar:

NM_001373.1:c.4550G>A

Gene: DNAH14 (dynein axonemal heavy chain 14; plus strand).
Variant type: single nucleotide variant.
Identifiers: ClinVar variation 4282031 (VCV004282031.1).

ClinVar aggregate classification (germline): Uncertain significance (1 of 4 stars; one submission).

Submission:

GeneDx
Classification: Uncertain significance. Last evaluated: 2025-04-10. Review status: criteria provided, single submitter. Criteria: GeneDx Variant Classification Process June 2021. Collection method: clinical testing. Allele origin: germline. Affected: yes.
Comment: In silico analysis supports that this missense variant has a deleterious effect on protein structure/function; Has not been previously published as pathogenic or benign to our knowledge